The following is an entry in ClinVar:

NM_033100.4(CDHR1):c.601G>A (p.Glu201Lys)

Gene: CDHR1 (cadherin related family member 1; plus strand). Cytogenetic location: 10q23.1.
Variant type: single nucleotide variant.
Coding change: c.601G>A on transcript NM_033100.4 (MANE Select); coding-DNA position 601, G replaced by A.
Protein change: p.Glu201Lys; replaces glutamic acid 201 with lysine.
Molecular consequence: missense variant.
Genome position (GRCh38, 1-based): chr10:84,201,882, G>A. VCF-style: chr10-84201882-G-A. GRCh37 (hg19) VCF-style: chr10-85961638-G-A.
Other names: c.601G>A, p.Glu201Lys (NM_001171971.3); short protein forms E201K.
Identifiers: ClinVar variation 301220 (VCV000301220.13), dbSNP rs200646223, ClinGen allele CA5579600.

ClinVar aggregate classification (germline): Uncertain significance. Review status: criteria provided, multiple submitters, no conflicts (2 of 4 stars). 6 submissions from 6 submitters: Uncertain significance (6). Last evaluated 2026-03-19.

Conditions:
CDHR1-related disorder. Also called: CDHR1-related condition.
Cone-rod dystrophy 15 (CORD15). Identifiers: MedGen C3150912, MONDO:0013348, OMIM 613660.
Retinal dystrophy. Also called: Inherited retinal dystrophy. Identifiers: Orphanet 71862, MedGen C0854723, MeSH D058499, MONDO:0019118, HP:0000556.

Allele frequency attached by ClinVar (database versions not stated): gnomAD 0.00004 and 0.00014; TOPMed 0.00012; gnomAD exomes 0.00018; ExAC 0.00022; 1000 Genomes Project 30x 0.00125; 1000 Genomes Project 0.00140.

Submissions (6):

PreventionGenetics, part of Exact Sciences
Classification: Uncertain significance for CDHR1-related condition. Last evaluated: 2026-03-19. Review status: criteria provided, single submitter. Criteria: ACMG Guidelines, 2015. Collection method: clinical testing. Allele origin: germline.
Comment: The CDHR1 c.601G>A variant is predicted to result in the amino acid substitution p.Glu201Lys. This variant has been reported in the homozygous state in an individual with retinitis pigmentosa (supplementary data, Maeda et al. 2018. PubMed ID: 29785639). This variant was also described, in the heterozygous state in large cohorts of individuals with retinal disease (supplementary data, Chen et al. 2021. PubMed ID: 33608557; supplementary data, Ma et al. 2021. PubMed ID: 33691693; supplementary data, Kim et al. 2021. PubMed ID: 33946315; Malechka et al. 2022. PubMed ID: 35627310). However, this variant is reported in 0.17% of alleles in individuals of East Asian descent in gnomAD, which may be too frequent to be a primary cause of disease. At this time, the clinical significance of this variant is uncertain due to the absence of conclusive functional and genetic evidence.

Blueprint Genetics
Classification: Uncertain significance. Last evaluated: 2024-10-08. Review status: criteria provided, single submitter. Criteria: ACMG Guidelines, 2015. Collection method: clinical testing. Allele origin: germline.

Labcorp Genetics (formerly Invitae), Labcorp
Classification: Uncertain significance. Last evaluated: 2023-12-17. Review status: criteria provided, single submitter. Criteria: Invitae Variant Classification Sherloc (09022015). Collection method: clinical testing. Allele origin: germline.
Comment: This sequence change replaces glutamic acid, which is acidic and polar, with lysine, which is basic and polar, at codon 201 of the CDHR1 protein (p.Glu201Lys). The frequency data for this variant in the population databases is considered unreliable, as metrics indicate poor data quality at this position in the gnomAD database. This missense change has been observed in individual(s) with inherited retinal dystrophy (PMID: 29785639, 33691693, 33946315, 35627310). ClinVar contains an entry for this variant (Variation ID: 301220). Advanced modeling of protein sequence and biophysical properties (such as structural, functional, and spatial information, amino acid conservation, physicochemical variation, residue mobility, and thermodynamic stability) has been performed at Invitae for this missense variant, however the output from this modeling did not meet the statistical confidence thresholds required to predict the impact of this variant on CDHR1 protein function. In summary, the available evidence is currently insufficient to determine the role of this variant in disease. Therefore, it has been classified as a Variant of Uncertain Significance.

Institute of Human Genetics, Univ. Regensburg, Univ. Regensburg
Classification: Uncertain significance for Retinal dystrophy. Last evaluated: 2020-01-01. Review status: criteria provided, single submitter. Criteria: ACMG Guidelines, 2015. Collection method: clinical testing. Allele origin: germline. Affected: yes.

Illumina Laboratory Services, Illumina
Classification: Uncertain significance for Cone-rod dystrophy 15. Last evaluated: 2018-01-12. Review status: criteria provided, single submitter. Criteria: ICSL Variant Classification Criteria 13 December 2019. Collection method: clinical testing. Allele origin: germline.

Juno Genomics, Hangzhou Juno Genomics, Inc
Classification: Uncertain significance for Cone-rod dystrophy 15. Review status: criteria provided, single submitter. Criteria: ACMG Guidelines, 2015. Collection method: clinical testing. Allele origin: germline.
Comment: Absent from controls (or at extremely low frequency if recessive) in Genome Aggregation Database.;Multiple lines of computational evidence support a deleterious effect on the gene or gene product.

Literature cited by the submitters: PubMed 29785639 (cited by Labcorp Genetics (formerly Invitae), Labcorp and Institute of Human Genetics, Univ. Regensburg, Univ. Regensburg); PubMed 33691693 (cited by Labcorp Genetics (formerly Invitae), Labcorp and Institute of Human Genetics, Univ. Regensburg, Univ. Regensburg); PubMed 33946315 (cited by Labcorp Genetics (formerly Invitae), Labcorp and Institute of Human Genetics, Univ. Regensburg, Univ. Regensburg); PubMed 35627310 (cited by Labcorp Genetics (formerly Invitae), Labcorp and Institute of Human Genetics, Univ. Regensburg, Univ. Regensburg).